The following is an entry in ClinVar:

NM_199420.4(POLQ):c.2900G>A (p.Ser967Asn)

Gene: POLQ (DNA polymerase theta; minus strand). Cytogenetic location: 3q13.33.
Variant type: single nucleotide variant.
Coding change: c.2900G>A on transcript NM_199420.4 (MANE Select); coding-DNA position 2900, G replaced by A.
Protein change: p.Ser967Asn; replaces serine 967 with asparagine.
Molecular consequence: missense variant.
Genome position (GRCh38, 1-based): chr3:121,490,031, C>T on the plus strand (G>A on the coding strand, the complement: POLQ is on the minus strand). VCF-style: chr3-121490031-C-T. GRCh37 (hg19) VCF-style: chr3-121208878-C-T.
Other names: short protein forms S967N.
Identifiers: ClinVar variation 1049046 (VCV001049046.4), dbSNP rs2108798995, ClinGen allele CA354104027.
Genomic context (GRCh38, chr3:121,490,031, plus strand): 5'-CTGAAAATGGAACATGTCTGATGTTCTTGATTCCCATTCTGGAAATTACAATTAAAGGAA[C>T]TTGTATGCTCTCTACTTTTATTTAAGTCTTGCACTATATTTGGTGAATGCTTAATATAAG-3'
Protein context (NP_955452.3, residues 957-977): QDLNKSREHT[Ser967Asn]SFNCNFQNGN

ClinVar aggregate classification (germline): Likely benign. Review status: criteria provided, single submitter (1 of 4 stars). 2 submissions from 2 submitters: Likely benign (1). 1 of the submissions does not count toward it. Last evaluated 2025-08-31.

Allele frequency attached by ClinVar (database versions not stated): gnomAD exomes below 0.00001.
gnomAD v4.1: 1 of 1,570,704 alleles (0.000064%); highest among the groups gnomAD compares: Non-Finnish European, 0.000086%; no homozygotes.

Submissions (2):

Ambry Genetics
Classification: Likely benign. Last evaluated: 2025-08-31. Review status: criteria provided, single submitter. Criteria: Ambry Variant Classification Scheme 2023. Collection method: clinical testing. Allele origin: germline.

Department of Pathology and Laboratory Medicine, Sinai Health System
Classification: Uncertain significance. Review status: no assertion criteria provided. Collection method: clinical testing. Allele origin: unknown. Affected: yes. Study: The Canadian Open Genetics Repository (COGR). Not counted in ClinVar's aggregate classification.
Comment: The POLQ p.Ser967Asn variant was not identified in the literature nor was it identified in dbSNP, ClinVar, Cosmic, LOVD 3.0 or in the following control databases: the 1000 Genomes Project, the NHLBI GO Exome Sequencing Project, the Exome Aggregation Consortium (August 8th 2016), or the Genome Aggregation Database (Feb 27, 2017). The variant occurs outside of the splicing consensus sequence and in silico or computational prediction software programs (SpliceSiteFinder, MaxEntScan, NNSPLICE, GeneSplicer) do not predict a difference in splicing. The p.Ser967 residue is not conserved in mammals and computational analyses (PolyPhen-2, SIFT, AlignGVGD, BLOSUM, MutationTaster) do not suggest a high likelihood of impact to the protein; however, this information is not predictive enough to rule out pathogenicity. In summary, based on the above information the clinical significance of this variant cannot be determined with certainty at this time. This variant is classified as a variant of uncertain significance.